The following is an entry in ClinVar:

NM_015335.5(MED13L):c.1943C>G (p.Pro648Arg)

Gene: MED13L (mediator complex subunit 13L; minus strand). Cytogenetic location: 12q24.21.
Variant type: single nucleotide variant.
Coding change: c.1943C>G on transcript NM_015335.5 (MANE Select); coding-DNA position 1943, C replaced by G.
Protein change: p.Pro648Arg; replaces proline 648 with arginine.
Molecular consequence: missense variant.
Genome position (GRCh38, 1-based): chr12:116,008,470, G>C on the plus strand (C>G on the coding strand, the complement: MED13L is on the minus strand). VCF-style: chr12-116008470-G-C. GRCh37 (hg19) VCF-style: chr12-116446275-G-C.
Other names: short protein forms P648R.
Identifiers: ClinVar variation 432799 (VCV000432799.2), dbSNP rs1322326599, ClinGen allele CA386895224.

ClinVar aggregate classification (germline): Uncertain significance (1 of 4 stars; one submission).

Allele frequency attached by ClinVar (database versions not stated): TOPMed below 0.00001; gnomAD exomes 0.00001 and 0.00002.
gnomAD v4.1: 5 of 1,613,452 alleles (0.00031%); highest among the groups gnomAD compares: Admixed American, 0.0083%; no homozygotes.

Submission:

GeneDx
Classification: Uncertain significance. Last evaluated: 2017-06-26. Review status: criteria provided, single submitter. Criteria: GeneDx Variant Classification (06012015). Collection method: clinical testing. Allele origin: germline. Affected: yes.
Comment: A variant of uncertain significance has been identified in the MED13L gene. The P648R variant has not been published as a pathogenic variant, nor has it been reported as a benign variant to our knowledge. The P648R variant is not observed in large population cohorts (Lek et al., 2016; 1000 Genomes Consortium et al., 2015; Exome Variant Server). The P648R variant is a non-conservative amino acid substitution, which is likely to impact secondary protein structure as these residues differ in polarity, charge, size and/or other properties. This substitution occurs at a position that is conserved in mammals, and in silico analysis predicts this variant is probably damaging to the protein structure/function. Based on the currently available information, it is unclear whether this variant is a pathogenic variant or a rare benign variant.